The following is an entry in ClinVar:

ClinVar aggregate classification (germline): Pathogenic/Likely pathogenic. Review status: criteria provided, multiple submitters, no conflicts (2 of 4 stars). 2 submissions from 2 submitters: Pathogenic (1); Likely pathogenic (1). Last evaluated 2023-09-22.

Conditions:
COL4A5-related disorders.

Submissions (2):

Blueprint Genetics
Classification: Likely pathogenic for COL4A5-related disorders. Last evaluated: 2023-09-22. Review status: criteria provided, single submitter. Criteria: ACMG Guidelines, 2015. Collection method: clinical testing. Allele origin: germline. Affected: yes. Observed: 1 variant allele.

Labcorp Genetics (formerly Invitae), Labcorp
Classification: Pathogenic. Last evaluated: 2023-01-17. Review status: criteria provided, single submitter. Criteria: Invitae Variant Classification Sherloc (09022015). Collection method: clinical testing. Allele origin: germline.
Comment: For these reasons, this variant has been classified as Pathogenic. This variant has not been reported in the literature in individuals affected with COL4A5-related conditions. This variant is not present in population databases (gnomAD no frequency). This sequence change creates a premature translational stop signal (p.Lys330Argfs*16) in the COL4A5 gene. It is expected to result in an absent or disrupted protein product. Loss-of-function variants in COL4A5 are known to be pathogenic (PMID: 9195222, 10752524, 14514738, 24854265, 26809805).

Literature cited by the submitters: PubMed 9195222 (cited by Labcorp Genetics (formerly Invitae), Labcorp); PubMed 10752524 (cited by Labcorp Genetics (formerly Invitae), Labcorp); PubMed 14514738 (cited by Labcorp Genetics (formerly Invitae), Labcorp); PubMed 24854265 (cited by Labcorp Genetics (formerly Invitae), Labcorp); PubMed 26809805 (cited by Labcorp Genetics (formerly Invitae), Labcorp).

NM_033380.3(COL4A5):c.989del (p.Lys330fs)

Gene: COL4A5 (collagen type IV alpha 5 chain; plus strand). Cytogenetic location: Xq22.3.
Variant type: Deletion.
Coding change: c.989del on transcript NM_033380.3 (MANE Select); coding-DNA position 989, one base deleted (A; older notation c.989delA).
Protein change: p.Lys330fs; shifts the reading frame from lysine 330.
Molecular consequence: frameshift variant.
Genome position (GRCh38, 1-based): chrX:108,582,936, A deleted; the last of 4 consecutive A bases (chrX:108,582,933-108,582,936); deleting any one gives the same sequence. VCF-style (leftmost placement, unchanged base first): chrX-108582932-GA-G. GRCh37 (hg19) VCF-style: chrX-107826162-GA-G.
Other names: c.989del, p.Lys330fs (NM_000495.5); short protein forms K330fs.
Identifiers: ClinVar variation 2812336 (VCV002812336.4), dbSNP rs2524254870, ClinGen allele CA2694413844.